The following is an entry in ClinVar:

NM_194313.4(KIF24):c.2817A>G (p.Pro939=)

Gene: KIF24 (kinesin family member 24; minus strand). Cytogenetic location: 9p13.3.
Variant type: single nucleotide variant.
Coding change: c.2817A>G on transcript NM_194313.4 (MANE Select); coding-DNA position 2817, A replaced by G.
Protein change: p.Pro939=; no amino-acid change (proline 939 retained).
Molecular consequence: synonymous variant.
Genome position (GRCh38, 1-based): chr9:34,256,790, T>C on the plus strand (A>G on the coding strand, the complement: KIF24 is on the minus strand). VCF-style: chr9-34256790-T-C. GRCh37 (hg19) VCF-style: chr9-34256788-T-C.
Identifiers: ClinVar variation 2659154 (VCV002659154.24), dbSNP rs368539542, ClinGen allele CA5031888.
Genomic context (GRCh38, chr9:34,256,790, plus strand): 5'-ATCAAAGGAAGAGCCTCCACCTCTTTCCTGTCTATATATGAAATCTACCTGTGAACAGTA[T>C]GGCTTCTCTGCCAGGCTGTCTCTGGGAGAAGGCCCTGAGGAAGTAGAGTTCTCTCTGCTC-3'
Protein context (NP_919289.2, residues 929-949): PSPRDSLAEK[Pro939=]YCSQVDFIYR

ClinVar aggregate classification (germline): Likely benign (1 of 4 stars; one submission).

Allele frequency attached by ClinVar (database versions not stated): gnomAD exomes below 0.00001; ExAC 0.00001; gnomAD 0.00001; TOPMed 0.00001; ESP Exome Variant Server 0.00008.
gnomAD v4.1: 8 of 1,613,888 alleles (0.0005%); highest among the groups gnomAD compares: Non-Finnish European, 0.00068%; no homozygotes.

Submission:

CeGaT Center for Human Genetics Tuebingen
Classification: Likely benign. Last evaluated: 2022-03-01. Review status: criteria provided, single submitter. Criteria: CeGaT Center For Human Genetics Tuebingen Variant Classification Criteria Version 2. Collection method: clinical testing. Allele origin: germline. Affected: yes. Observed: 1 variant allele.
Comment: KIF24: BP4, BP7